The following is an entry in ClinVar:

ClinVar aggregate classification (germline): Uncertain significance. Review status: criteria provided, multiple submitters, no conflicts (2 of 4 stars). 2 submissions from 2 submitters: Uncertain significance (2). Last evaluated 2025-08-31.

Conditions:
Hereditary cancer-predisposing syndrome. Also called: Hereditary neoplastic syndrome; Neoplastic Syndromes, Hereditary; Hereditary Cancer Syndrome; Tumor predisposition. Identifiers: Orphanet 140162, MedGen C0027672, MeSH D009386, MONDO:0015356.
Cardiovascular phenotype. Identifiers: MedGen CN230736.

Submissions (2):

Ambry Genetics
Classification: Uncertain significance for Cardiovascular phenotype; Hereditary cancer-predisposing syndrome. Last evaluated: 2025-08-31. Review status: criteria provided, single submitter. Criteria: Ambry Variant Classification Scheme 2023. Collection method: clinical testing. Allele origin: germline.
Comment: The c.1259A>C variant (also known as p.Q420P), located in coding exon 11 of the LZTR1 gene, results from an A to C substitution at nucleotide position 1259. The glutamine at codon 420 is replaced by proline, an amino acid with similar properties. This nucleotide position is highly conserved in available vertebrate species. In silico splice site analysis predicts that this alteration will weaken the native splice donor site and may result in the creation or strengthening of a novel splice donor site; however, direct evidence is insufficient at this time (Ambry internal data). In addition, as a missense substitution this is predicted to be deleterious by in silico analysis. Based on the available evidence, the clinical significance of this variant remains unclear.

Labcorp Genetics (formerly Invitae), Labcorp
Classification: Uncertain significance. Last evaluated: 2024-03-05. Review status: criteria provided, single submitter. Criteria: Invitae Variant Classification Sherloc (09022015). Collection method: clinical testing. Allele origin: germline.
Comment: This sequence change replaces glutamine, which is neutral and polar, with proline, which is neutral and non-polar, at codon 420 of the LZTR1 protein (p.Gln420Pro). This variant is not present in population databases (gnomAD no frequency). This variant has not been reported in the literature in individuals affected with LZTR1-related conditions. An algorithm developed to predict the effect of missense changes on protein structure and function (PolyPhen-2) suggests that this variant is likely to be disruptive. Algorithms developed to predict the effect of sequence changes on RNA splicing suggest that this variant may disrupt the consensus splice site. In summary, the available evidence is currently insufficient to determine the role of this variant in disease. Therefore, it has been classified as a Variant of Uncertain Significance.

NM_006767.4(LZTR1):c.1259A>C (p.Gln420Pro)

Gene: LZTR1 (leucine zipper like post translational regulator 1; plus strand). Cytogenetic location: 22q11.21.
Variant type: single nucleotide variant.
Coding change: c.1259A>C on transcript NM_006767.4 (MANE Select); coding-DNA position 1259, A replaced by C.
Protein change: p.Gln420Pro; replaces glutamine 420 with proline.
Molecular consequence: missense variant.
Genome position (GRCh38, 1-based): chr22:20,992,903, A>C. VCF-style: chr22-20992903-A-C. GRCh37 (hg19) VCF-style: chr22-21347192-A-C.
Other names: c.1259A>C (NM_006767.3); short protein forms Q420P.
Identifiers: ClinVar variation 3715229 (VCV003715229.3).